The following is an entry in ClinVar:

NM_173477.5(USH1G):c.480C>T (p.Arg160=)

Gene: USH1G (USH1 protein network component sans; minus strand). Cytogenetic location: 17q25.1.
Variant type: single nucleotide variant.
Coding change: c.480C>T on transcript NM_173477.5 (MANE Select); coding-DNA position 480, C replaced by T.
Protein change: p.Arg160=; no amino-acid change (arginine 160 retained).
Molecular consequence: synonymous variant.
Genome position (GRCh38, 1-based): chr17:74,920,356, G>A on the plus strand (C>T on the coding strand, the complement: USH1G is on the minus strand). VCF-style: chr17-74920356-G-A. GRCh37 (hg19) VCF-style: chr17-72916451-G-A.
Other names: c.171C>T, p.Arg57= (NM_001282489.3); c.480C>T (NM_173477.2, NM_173477.4).
Identifiers: ClinVar variation 1020421 (VCV001020421.12), dbSNP rs138590256, ClinGen allele CA8754066.

ClinVar aggregate classification (germline): Conflicting classifications of pathogenicity. Review status: criteria provided, conflicting classifications (1 of 4 stars). 3 submissions from 3 submitters: Uncertain significance (1); Likely benign (1). 1 of the submissions does not count toward it. Last evaluated 2026-01-04.

Conditions:
USH1G-related disorder. Also called: USH1G-related condition; USH1G-related disorders.

Allele frequency attached by ClinVar (database versions not stated): gnomAD 0.00011 and 0.00010; gnomAD exomes 0.00005 and 0.00001; ESP Exome Variant Server 0.00015; TOPMed 0.00015; 1000 Genomes Project 30x 0.00016; 1000 Genomes Project 0.00020; ExAC 0.00007.
gnomAD v4.1: 29 of 1,612,040 alleles (0.0018%); highest among the groups gnomAD compares: African/African-American, 0.035%; no homozygotes.

Submissions (3):

Labcorp Genetics (formerly Invitae), Labcorp
Classification: Likely benign. Last evaluated: 2026-01-04. Review status: criteria provided, single submitter. Criteria: Invitae Variant Classification Sherloc (09022015). Collection method: clinical testing. Allele origin: germline.

GeneDx
Classification: Uncertain significance. Last evaluated: 2024-05-07. Review status: criteria provided, single submitter. Criteria: GeneDx Variant Classification Process June 2021. Collection method: clinical testing. Allele origin: germline. Affected: yes.
Comment: In silico analysis indicates that this variant does not alter splicing; Has not been previously published as pathogenic or benign to our knowledge

PreventionGenetics, part of Exact Sciences
Classification: Likely benign for USH1G-related condition. Last evaluated: 2023-08-29. Review status: no assertion criteria provided. Collection method: clinical testing. Allele origin: germline. Not counted in ClinVar's aggregate classification.
Comment: This variant is classified as likely benign based on ACMG/AMP sequence variant interpretation guidelines (Richards et al. 2015 PMID: 25741868, with internal and published modifications).